The following is an entry in ClinVar:

NM_182915.3(STEAP3):c.52C>A (p.Pro18Thr)

Genes: STEAP3 (STEAP3 metalloreductase; plus strand), STEAP3-AS1 (STEAP3 antisense RNA 1; minus strand). Cytogenetic location: 2q14.2.
Variant type: single nucleotide variant.
Coding change: c.52C>A on transcript NM_182915.3 (MANE Select); coding-DNA position 52, C replaced by A.
Protein change: p.Pro18Thr; replaces proline 18 with threonine.
Molecular consequence: missense variant. On other transcripts: non-coding transcript variant (1).
Genome position (GRCh38, 1-based): chr2:119,245,518, C>A. VCF-style: chr2-119245518-C-A. GRCh37 (hg19) VCF-style: chr2-120003094-C-A.
Other names: c.22C>A, p.Pro8Thr (NM_001008410.2, NM_018234.3, NM_138637.3); short protein forms P18T, P8T.
Identifiers: ClinVar variation 3963191 (VCV003963191.2).

ClinVar aggregate classification (germline): Uncertain significance. Review status: criteria provided, multiple submitters, no conflicts (2 of 4 stars). 2 submissions from 2 submitters: Uncertain significance (2). Last evaluated 2025-11-06.

gnomAD v4.1: 39 of 1,591,844 alleles (0.0024%); highest among the groups gnomAD compares: African/African-American, 0.046%; no homozygotes.

Submissions (2):

Labcorp Genetics (formerly Invitae), Labcorp
Classification: Uncertain significance. Last evaluated: 2025-11-06. Review status: criteria provided, single submitter. Criteria: Invitae Variant Classification Sherloc (09022015). Collection method: clinical testing. Allele origin: germline.
Comment: This sequence change replaces proline, which is neutral and non-polar, with threonine, which is neutral and polar, at codon 8 of the STEAP3 protein (p.Pro8Thr). This variant is present in population databases (rs141284145, gnomAD 0.04%). This variant has not been reported in the literature in individuals affected with STEAP3-related conditions. ClinVar contains an entry for this variant (Variation ID: 3963191). An algorithm developed to predict the effect of missense changes on protein structure and function (PolyPhen-2) suggests that this variant is likely to be disruptive. In summary, the available evidence is currently insufficient to determine the role of this variant in disease. Therefore, it has been classified as a Variant of Uncertain Significance.

Ambry Genetics
Classification: Uncertain significance. Last evaluated: 2025-05-21. Review status: criteria provided, single submitter. Criteria: Ambry Variant Classification Scheme 2023. Collection method: clinical testing. Allele origin: germline.